The following is an entry in ClinVar:

ClinVar aggregate classification (germline): Uncertain significance (1 of 4 stars; one submission).

Conditions:
Early-infantile DEE. Also called: Early infantile epileptic encephalopathy; Ohtahara syndrome; Early infantile epileptic encephalopathy with suppression bursts. Identifiers: Orphanet 1934, MedGen C0393706, MONDO:0800491.

Submission:

Labcorp Genetics (formerly Invitae), Labcorp
Classification: Uncertain significance for Early-infantile DEE. Last evaluated: 2017-04-30. Review status: criteria provided, single submitter. Criteria: Invitae Variant Classification Sherloc (09022015). Collection method: clinical testing. Allele origin: germline.
Comment: This sequence change replaces methionine with isoleucine at codon 632 of the HCN1 protein (p.Met632Ile). The methionine residue is highly conserved and there is a small physicochemical difference between methionine and isoleucine. This variant is not present in population databases (ExAC, no frequency) and has not been reported in the literature in individuals with a HCN1-related disease. In summary, this variant is a novel missense change with uncertain impact on protein function. It has been classified as a Variant of Uncertain Significance. Algorithms developed to predict the effect of missense changes on protein structure and function do not agree on the potential impact of this missense change (SIFT: "Deleterious"; PolyPhen-2: "Possibly Damaging"; Align-GVGD: "Class C0").

NM_021072.4(HCN1):c.1896G>T (p.Met632Ile)

Gene: HCN1 (hyperpolarization activated cyclic nucleotide gated potassium channel 1; minus strand). Cytogenetic location: 5p12.
Variant type: single nucleotide variant.
Coding change: c.1896G>T on transcript NM_021072.4 (MANE Select); coding-DNA position 1896, G replaced by T.
Protein change: p.Met632Ile; replaces methionine 632 with isoleucine.
Molecular consequence: missense variant.
Genome position (GRCh38, 1-based): chr5:45,262,698, C>A on the plus strand (G>T on the coding strand, the complement: HCN1 is on the minus strand). VCF-style: chr5-45262698-C-A. GRCh37 (hg19) VCF-style: chr5-45262800-C-A.
Other names: short protein forms M632I.
Identifiers: ClinVar variation 461366 (VCV000461366.9), dbSNP rs1226802525, ClinGen allele CA359704469.